The following is an entry in ClinVar:

ClinVar aggregate classification (germline): Likely pathogenic. Review status: criteria provided, multiple submitters, no conflicts (2 of 4 stars). 2 submissions from 2 submitters: Likely pathogenic (2). Last evaluated 2025-09-23.

Conditions:
T-B+ severe combined immunodeficiency due to JAK3 deficiency. Also called: SCID, T CELL-NEGATIVE, B CELL-POSITIVE, NK CELL-NEGATIVE; SCID, autosomal recessive, T-negative/B-positive type. Identifiers: Orphanet 35078, MedGen C1833275, MONDO:0010938, OMIM 600802.
Severe combined immunodeficiency disease. Also called: Severe combined immunodeficiency; Severe Combined Immune Deficiency. Identifiers: Orphanet 183660, MedGen C0085110, MeSH D016511, MONDO:0015974, HP:0004430. Inheritance: X-Linked or Autosomal recessive.

Allele frequency attached by ClinVar (database versions not stated): gnomAD exomes below 0.00001; TOPMed below 0.00001; ExAC 0.00001.
gnomAD v4.1: 2 of 1,613,938 alleles (0.00012%); highest among the groups gnomAD compares: South Asian, 0.0011%; no homozygotes.

Submissions (2):

Women's Health and Genetics/Laboratory Corporation of America, LabCorp
Classification: Likely pathogenic for Severe combined immunodeficiency disease. Last evaluated: 2025-09-23. Review status: criteria provided, single submitter. Criteria: LabCorp Variant Classification Summary - May 2015. Collection method: clinical testing. Allele origin: germline.
Comment: Variant summary: JAK3 c.1205G>A (p.Arg402His) results in a non-conservative amino acid change in the encoded protein sequence. Algorithms developed to predict the effect of missense changes on protein structure and function are either unavailable or do not agree on the potential impact of this missense change. The variant allele was found at a frequency of 4e-06 in 250838 control chromosomes (gnomAD). c.1205G>A has been observed in individuals affected with Severe Combined Immunodeficiency (e.g., Qamar_2017, Chi_2018). These data indicate that the variant may be associated with disease. At least one publication reports experimental evidence evaluating an impact on protein function, finding that the variant disrupts JAK3 localization (Hofmann_2004). The following publications have been ascertained in the context of this evaluation (PMID: 30290665, 28917720, 15143194). ClinVar contains an entry for this variant (Variation ID: 2910454). Based on the evidence outlined above, the variant was classified as likely pathogenic.

Labcorp Genetics (formerly Invitae), Labcorp
Classification: Likely pathogenic for T-B+ severe combined immunodeficiency due to JAK3 deficiency. Last evaluated: 2023-06-29. Review status: criteria provided, single submitter. Criteria: Invitae Variant Classification Sherloc (09022015). Collection method: clinical testing. Allele origin: germline.
Comment: This sequence change replaces arginine, which is basic and polar, with histidine, which is basic and polar, at codon 402 of the JAK3 protein (p.Arg402His). This variant is present in population databases (rs767428670, gnomAD 0.0009%). This missense change has been observed in individual(s) with severe combined immunodeficiency (PMID: 28917720, 30290665). In at least one individual the data is consistent with being in trans (on the opposite chromosome) from a pathogenic variant. Advanced modeling of protein sequence and biophysical properties (such as structural, functional, and spatial information, amino acid conservation, physicochemical variation, residue mobility, and thermodynamic stability) performed at Invitae indicates that this missense variant is not expected to disrupt JAK3 protein function. This variant disrupts the p.Arg402 amino acid residue in JAK3. Other variant(s) that disrupt this residue have been observed in individuals with JAK3-related conditions (PMID: 27484032, 28917720, 30290665), which suggests that this may be a clinically significant amino acid residue. In summary, the currently available evidence indicates that the variant is pathogenic, but additional data are needed to prove that conclusively. Therefore, this variant has been classified as Likely Pathogenic.

Literature cited by the submitters: PubMed 30290665 (cited by Women's Health and Genetics/Laboratory Corporation of America, LabCorp and Labcorp Genetics (formerly Invitae), Labcorp); PubMed 15143194 (cited by Women's Health and Genetics/Laboratory Corporation of America, LabCorp); PubMed 28917720 (cited by Women's Health and Genetics/Laboratory Corporation of America, LabCorp and Labcorp Genetics (formerly Invitae), Labcorp); PubMed 27484032 (cited by Labcorp Genetics (formerly Invitae), Labcorp).

NM_000215.4(JAK3):c.1205G>A (p.Arg402His)

Gene: JAK3 (Janus kinase 3; minus strand). Cytogenetic location: 19p13.11.
Variant type: single nucleotide variant.
Coding change: c.1205G>A on transcript NM_000215.4 (MANE Select); coding-DNA position 1205, G replaced by A.
Protein change: p.Arg402His; replaces arginine 402 with histidine.
Molecular consequence: missense variant.
Genome position (GRCh38, 1-based): chr19:17,840,279, C>T on the plus strand (G>A on the coding strand, the complement: JAK3 is on the minus strand). VCF-style: chr19-17840279-C-T. GRCh37 (hg19) VCF-style: chr19-17951088-C-T.
Other names: short protein forms R402H.
Identifiers: ClinVar variation 2910454 (VCV002910454.4), dbSNP rs767428670, ClinGen allele CA9301961.
Genomic context (GRCh38, chr19:17,840,279, plus strand): 5'-AGTAGACCGACCTGGACACAGACAGTGAGGAGGAAGCTGTCAAAGTCCTGGGGGCTGCGG[C>T]GGAGAACATAGGAGCCAGGACGTGAGCCCCCAGTCTTGAGCTTGTTGATGGCAAAGTCCA-3'
Protein context (NP_000206.2, residues 392-412): GGSRPGSYVL[Arg402His]RSPQDFDSFL